The following is an entry in ClinVar:

ClinVar aggregate classification (germline): Uncertain significance (1 of 4 stars; one submission).

Allele frequency attached by ClinVar (database versions not stated): gnomAD exomes below 0.00001.
gnomAD v4.1: 1 of 1,614,130 alleles (0.000062%); highest among the groups gnomAD compares: Non-Finnish European, 0.000085%; no homozygotes.

Submission:

Labcorp Genetics (formerly Invitae), Labcorp
Classification: Uncertain significance. Last evaluated: 2022-11-22. Review status: criteria provided, single submitter. Criteria: Invitae Variant Classification Sherloc (09022015). Collection method: clinical testing. Allele origin: germline.
Comment: In summary, the available evidence is currently insufficient to determine the role of this variant in disease. Therefore, it has been classified as a Variant of Uncertain Significance. Algorithms developed to predict the effect of missense changes on protein structure and function (SIFT, PolyPhen-2, Align-GVGD) all suggest that this variant is likely to be disruptive. This variant has not been reported in the literature in individuals affected with SYNPO-related conditions. This variant is not present in population databases (gnomAD no frequency). This sequence change replaces aspartic acid, which is acidic and polar, with valine, which is neutral and non-polar, at codon 95 of the SYNPO protein (p.Asp95Val).

NM_007286.6(SYNPO):c.284A>T (p.Asp95Val)

Gene: SYNPO (synaptopodin; plus strand). Cytogenetic location: 5q33.1.
Variant type: single nucleotide variant.
Coding change: c.284A>T on transcript NM_007286.6 (MANE Select); coding-DNA position 284, A replaced by T.
Protein change: p.Asp95Val; replaces aspartic acid 95 with valine.
Molecular consequence: missense variant.
Genome position (GRCh38, 1-based): chr5:150,648,559, A>T. VCF-style: chr5-150648559-A-T. GRCh37 (hg19) VCF-style: chr5-150028121-A-T.
Other names: c.284A>T, p.Asp95Val (NM_001109974.3); c.1016A>T, p.Asp339Val (NM_001166208.2, NM_001166209.2); short protein forms D339V, D95V.
Identifiers: ClinVar variation 2013676 (VCV002013676.4), dbSNP rs2480376279, ClinGen allele CA361779396.